The following is an entry in ClinVar:

NM_152383.5(DIS3L2):c.1921A>T (p.Asn641Tyr)

Gene: DIS3L2 (DIS3 like 3'-5' exoribonuclease 2; plus strand). Cytogenetic location: 2q37.1.
Variant type: single nucleotide variant.
Coding change: c.1921A>T on transcript NM_152383.5 (MANE Select); coding-DNA position 1921, A replaced by T.
Protein change: p.Asn641Tyr; replaces asparagine 641 with tyrosine.
Molecular consequence: missense variant. On other transcripts: non-coding transcript variant (2), intron variant (1).
Genome position (GRCh38, 1-based): chr2:232,329,994, A>T. VCF-style: chr2-232329994-A-T. GRCh37 (hg19) VCF-style: chr2-233194704-A-T.
Other names: c.1582-13351A>T (NM_001257281.2); short protein forms N641Y.
Identifiers: ClinVar variation 998664 (VCV000998664.9), dbSNP rs1695689170, ClinGen allele CA350976304.
Genomic context (GRCh38, chr2:232,329,994, plus strand): 5'-CTGGTGGAATTCTGCGACCAGATGGGGCTGCCCGTGGACTTCAGCTCCGCAGGAGCCCTC[A>T]ATGTGAGTGGTGGGCAGGATTCGGGGGAGGCCCTGCTTGGGGGAAAGAAGAGAAAGACCT-3'
Protein context (NP_689596.4, residues 631-651): PVDFSSAGAL[Asn641Tyr]KSLTQTFGDD

ClinVar aggregate classification (germline): Uncertain significance (1 of 4 stars; one submission).

Conditions:
Perlman syndrome (PRLMNS). Identifiers: Orphanet 2849, MedGen C0796113, MONDO:0009965, OMIM 267000.

Submission:

Labcorp Genetics (formerly Invitae), Labcorp
Classification: Uncertain significance for Perlman syndrome. Last evaluated: 2020-01-08. Review status: criteria provided, single submitter. Criteria: Invitae Variant Classification Sherloc (09022015). Collection method: clinical testing. Allele origin: germline.
Comment: Algorithms developed to predict the effect of missense changes on protein structure and function (SIFT, PolyPhen-2, Align-GVGD) all suggest that this variant is likely to be tolerated, but these predictions have not been confirmed by published functional studies and their clinical significance is uncertain. In summary, the available evidence is currently insufficient to determine the role of this variant in disease. Therefore, it has been classified as a Variant of Uncertain Significance. This variant has not been reported in the literature in individuals with DIS3L2-related conditions. This variant is not present in population databases (ExAC no frequency). This sequence change replaces asparagine with tyrosine at codon 641 of the DIS3L2 protein (p.Asn641Tyr). The asparagine residue is weakly conserved and there is a large physicochemical difference between asparagine and tyrosine.